The following is an entry in ClinVar:

NM_001374736.1(DST):c.4269A>G (p.Ile1423Met)

Gene: DST (dystonin; minus strand). Cytogenetic location: 6p12.1.
Variant type: single nucleotide variant.
Coding change: c.4269A>G on transcript NM_001374736.1 (MANE Select); coding-DNA position 4269, A replaced by G.
Protein change: p.Ile1423Met; replaces isoleucine 1423 with methionine.
Molecular consequence: missense variant.
Genome position (GRCh38, 1-based): chr6:56,630,257, T>C on the plus strand (A>G on the coding strand, the complement: DST is on the minus strand). VCF-style: chr6-56630257-T-C. GRCh37 (hg19) VCF-style: chr6-56495055-T-C.
Other names: c.4170A>G, p.Ile1390Met (NM_001144769.5); c.3756A>G, p.Ile1252Met (NM_001144770.2); c.4269A>G, p.Ile1423Met (NM_001374722.1); c.3636A>G, p.Ile1212Met (NM_001374729.1, NM_001374730.1, NM_001386100.1 and 1 more transcripts); c.4296A>G, p.Ile1432Met (NM_001374734.1); c.2658A>G, p.Ile886Met (NM_001723.7, NM_015548.5); short protein forms I886M, I1390M, I1252M, I1212M, I1423M, I1432M.
Identifiers: ClinVar variation 541466 (VCV000541466.14), dbSNP rs546352116, ClinGen allele CA3870940.
Genomic context (GRCh38, chr6:56,630,257, plus strand): 5'-TACTTGTAGAATACGATATTTAAAAATATCCAAAAGTGAGTCTCATACCTTTAAAGTACT[T>C]ATTAGATTCTCAATATTATTCTTGTCAGCTATAACTGCTTCTTCTTCACACAGTTTAGTT-3'
Protein context (NP_001361665.1, residues 1413-1433): IADKNNIENL[Ile1423Met]STLKQWRSEV

ClinVar aggregate classification (germline): Uncertain significance. Review status: criteria provided, multiple submitters, no conflicts (2 of 4 stars). 3 submissions from 3 submitters: Uncertain significance (3). Last evaluated 2025-12-15.

Conditions:
DST-related disorder. Also called: DST-related disorders; DST-related condition.
Epidermolysis bullosa simplex 3, localized or generalized intermediate, with BP230 deficiency (EBS3). Also called: Epidermolysis bullosa simplex due to BP230 deficiency; Epidermolysis bullosa simplex, autosomal recessive 2. Identifiers: Orphanet 412181, MedGen C3809470, MONDO:0014180, OMIM 615425.
Hereditary sensory and autonomic neuropathy type 6. Also called: Neuropathy, hereditary sensory and autonomic, type VI; HSAN VI. Identifiers: Orphanet 314381, MedGen C3539003, MONDO:0013839, OMIM 614653.
Inborn genetic diseases. Identifiers: MedGen C0950123, MeSH D030342.

Allele frequency attached by ClinVar (database versions not stated): gnomAD exomes 0.00003 and 0.00008; ExAC 0.00006; TOPMed 0.00008; gnomAD 0.00010 and 0.00011; 1000 Genomes Project 0.00020; 1000 Genomes Project 30x 0.00031.
gnomAD v4.1: 63 of 1,594,656 alleles (0.004%); highest among the groups gnomAD compares: Admixed American, 0.035%; no homozygotes.

Submissions (3):

PreventionGenetics, part of Exact Sciences
Classification: Uncertain significance for DST-related condition. Last evaluated: 2025-12-15. Review status: criteria provided, single submitter. Criteria: ACMG Guidelines, 2015. Collection method: clinical testing. Allele origin: germline.
Comment: The DST c.2658A>G variant is predicted to result in the amino acid substitution p.Ile886Met. To our knowledge, this variant has not been reported in the literature. This variant is reported in 0.026% of alleles in individuals of Latino descent in gnomAD. At this time, the clinical significance of this variant is uncertain due to the absence of conclusive functional and genetic evidence.

Labcorp Genetics (formerly Invitae), Labcorp
Classification: Uncertain significance for Epidermolysis bullosa simplex 3, localized or generalized intermediate, with BP230 deficiency; Hereditary sensory and autonomic neuropathy type 6. Last evaluated: 2024-06-13. Review status: criteria provided, single submitter. Criteria: Invitae Variant Classification Sherloc (09022015). Collection method: clinical testing. Allele origin: germline.
Comment: This sequence change replaces isoleucine, which is neutral and non-polar, with methionine, which is neutral and non-polar, at codon 886 of the DST protein (p.Ile886Met). This variant is present in population databases (rs546352116, gnomAD 0.02%). This variant has not been reported in the literature in individuals affected with DST-related conditions. ClinVar contains an entry for this variant (Variation ID: 541466). Algorithms developed to predict the effect of missense changes on protein structure and function output the following: SIFT: "Not Available"; PolyPhen-2: "Benign"; Align-GVGD: "Not Available". The methionine amino acid residue is found in multiple mammalian species, which suggests that this missense change does not adversely affect protein function. In summary, the available evidence is currently insufficient to determine the role of this variant in disease. Therefore, it has been classified as a Variant of Uncertain Significance.

Ambry Genetics
Classification: Uncertain significance for Inborn genetic diseases. Last evaluated: 2020-02-27. Review status: criteria provided, single submitter. Criteria: Ambry Variant Classification Scheme 2023. Collection method: clinical testing. Allele origin: germline.
Comment: The p.I1390M variant (also known as c.4170A>G), located in coding exon 30 of the DST gene, results from an A to G substitution at nucleotide position 4170. The isoleucine at codon 1390 is replaced by methionine, an amino acid with highly similar properties. This amino acid position is not well conserved in available vertebrate species. In addition, this alteration is predicted to be tolerated by in silico analysis. Since supporting evidence is limited at this time, the clinical significance of this alteration remains unclear.